The following is an entry in ClinVar:

NM_000399.5(EGR2):c.1271_1274del (p.Lys424fs)

Gene: EGR2 (early growth response 2; minus strand). Cytogenetic location: 10q21.3.
Variant type: Deletion.
Coding change: c.1271_1274del on transcript NM_000399.5 (MANE Select); coding-DNA positions 1271 to 1274, 4 bases deleted (AAGA; older notation c.1271_1274delAAGA).
Protein change: p.Lys424fs; shifts the reading frame from lysine 424.
Molecular consequence: frameshift variant.
Genome position (GRCh38, 1-based): chr10:62,813,364-62,813,367, TCTT deleted on the plus strand (AAGA on the coding strand, the reverse complement: EGR2 is on the minus strand); deleting any 4 consecutive bases within chr10:62,813,364-62,813,370 gives the same sequence; the c. name uses the placement nearest the transcript's 3' end. VCF-style (leftmost placement, unchanged base first): chr10-62813363-CTCTT-C. GRCh37 (hg19) VCF-style: chr10-64573123-CTCTT-C.
Other names: c.1271_1274del, p.Lys424fs (NM_001136177.3, NM_001136178.2); c.1121_1124del, p.Lys374fs (NM_001136179.3, NM_001321037.2); c.1307_1310delAGAA, p.Lys437Serfs (NM_001410931.1); short protein forms K424fs, K374fs.
Identifiers: ClinVar variation 2087180 (VCV002087180.4), dbSNP rs1842162579, ClinGen allele CA1914712601.

ClinVar aggregate classification (germline): Uncertain significance (1 of 4 stars; one submission).

Conditions:
Charcot-Marie-Tooth disease, type I (CMT1). Also called: Charcot-Marie-Tooth disease type 1; Charcot-Marie-Tooth, Type 1. Identifiers: Orphanet 65753, MedGen C0751036, MONDO:0019011.

Submission:

Labcorp Genetics (formerly Invitae), Labcorp
Classification: Uncertain significance for Charcot-Marie-Tooth disease, type I. Last evaluated: 2022-01-17. Review status: criteria provided, single submitter. Criteria: Invitae Variant Classification Sherloc (09022015). Collection method: clinical testing. Allele origin: germline.
Comment: In summary, the available evidence is currently insufficient to determine the role of this variant in disease. Therefore, it has been classified as a Variant of Uncertain Significance. This variant results in an extension of the EGR2 protein. Other variant(s) that result in a similarly extended protein product (p.Ser439Leufs*96) have been observed in individuals with EGR2-related disease (Invitae). This suggests that these extensions may be clinically significant. This frameshift has been observed in individual(s) with clinical features of EGR2-related conditions (PMID: 32528171). This variant is not present in population databases (gnomAD no frequency). This sequence change results in a frameshift in the EGR2 gene (p.Lys424Serfs*110). While this is not anticipated to result in nonsense mediated decay, it is expected to disrupt the last 53 amino acid(s) of the EGR2 protein and extend the protein by 56 additional amino acid residues.

Literature cited by the submitters: PubMed 32528171.